The following is an entry in ClinVar:

ClinVar aggregate classification (germline): Pathogenic (1 of 4 stars; one submission).

Submission:

Quest Diagnostics Nichols Institute San Juan Capistrano
Classification: Pathogenic. Last evaluated: 2022-03-01. Review status: criteria provided, single submitter. Criteria: ACMG/ClinGen CNV Guidelines, 2019. Collection method: clinical testing. Allele origin: unknown.
Comment: This imbalance is expected to cause phenotypic and/or developmental abnormalities. This genomic alteration involves the STS gene (OMIM 300747) and is expected to cause X-linked ichthyosis (OMIM 308100). X-linked ichthyosis (steroid sulfatase deficiency) is caused by mutation or deletion of the STS gene on chromosome Xp22.31. Features include ichthyosis characterized by polygonal, dark, adherent and mild-to-moderate scales that normally improve during summer; corneal opacities on slit-lamp examination; and cryptorchidism. Individuals with deletions including genes other than STS may show features of a contiguous gene syndrome. Phenotype would vary according to which additional genes were deleted. Recent evidence has suggested that individuals with X-linked ichthyosis maybe at increased risk for attention deficit hyperactivity disorder, communication deficits, and/or autism (PMID: 18413370). Pregnant mothers carrying an affected male fetus may have a protracted delivery.

GRCh37/hg19 Xp22.31(chrX:6784328-8071202)x0

Genes: PNPLA4 (patatin like phospholipase domain containing 4; minus strand), PUDP (pseudouridine 5'-phosphatase; minus strand), STS (steroid sulfatase; plus strand), VCX (variable charge X-linked; plus strand). Cytogenetic location: Xp22.31.
Variant type: copy number loss.
Change: copy number 0 of chrX:6,784,328-8,071,202 (1.29 Mb, GRCh37 coordinates, 1-based), cytogenetic band Xp22.31.
Identifiers: ClinVar variation 816292 (VCV000816292.3).